The following is an entry in ClinVar:

ClinVar aggregate classification (germline): Uncertain significance. Review status: criteria provided, multiple submitters, no conflicts (2 of 4 stars). 2 submissions from 2 submitters: Uncertain significance (2). Last evaluated 2025-01-24.

Conditions:
Hereditary cancer-predisposing syndrome. Also called: Tumor predisposition; Hereditary Cancer Syndrome; Hereditary neoplastic syndrome; Neoplastic Syndromes, Hereditary. Identifiers: Orphanet 140162, MedGen C0027672, MeSH D009386, MONDO:0015356.
Fanconi anemia (FA). Also called: Fanconi's anemia. Identifiers: Orphanet 84, MedGen C0015625, MeSH D005199, MONDO:0019391.

Allele frequency attached by ClinVar (database versions not stated): gnomAD exomes below 0.00001.
gnomAD v4.1: 1 of 1,614,098 alleles (0.000062%); highest among the groups gnomAD compares: African/African-American, 0.0013%; no homozygotes.

Submissions (2):

Ambry Genetics
Classification: Uncertain significance for Hereditary cancer-predisposing syndrome. Last evaluated: 2025-01-24. Review status: criteria provided, single submitter. Criteria: Ambry Variant Classification Scheme 2023. Collection method: clinical testing. Allele origin: germline.
Comment: The p.C268Y variant (also known as c.803G>A), located in coding exon 7 of the FANCC gene, results from a G to A substitution at nucleotide position 803. The cysteine at codon 268 is replaced by tyrosine, an amino acid with highly dissimilar properties. This amino acid position is conserved. In addition, this alteration is predicted to be tolerated by in silico analysis. Based on the available evidence, the clinical significance of this variant remains unclear.

Labcorp Genetics (formerly Invitae), Labcorp
Classification: Uncertain significance for Fanconi anemia. Last evaluated: 2021-11-20. Review status: criteria provided, single submitter. Criteria: Invitae Variant Classification Sherloc (09022015). Collection method: clinical testing. Allele origin: germline.
Comment: This sequence change replaces cysteine, which is neutral and slightly polar, with tyrosine, which is neutral and polar, at codon 268 of the FANCC protein (p.Cys268Tyr). In summary, the available evidence is currently insufficient to determine the role of this variant in disease. Therefore, it has been classified as a Variant of Uncertain Significance. Algorithms developed to predict the effect of missense changes on protein structure and function (SIFT, PolyPhen-2, Align-GVGD) all suggest that this variant is likely to be tolerated. This variant has not been reported in the literature in individuals affected with FANCC-related conditions. This variant is not present in population databases (gnomAD no frequency).

NM_000136.3(FANCC):c.803G>A (p.Cys268Tyr)

Genes: FANCC (FA complementation group C; minus strand), AOPEP (aminopeptidase O (putative); plus strand). Cytogenetic location: 9q22.32.
Variant type: single nucleotide variant.
Coding change: c.803G>A on transcript NM_000136.3 (MANE Select); coding-DNA position 803, G replaced by A.
Protein change: p.Cys268Tyr; replaces cysteine 268 with tyrosine.
Molecular consequence: missense variant.
Genome position (GRCh38, 1-based): chr9:95,135,386, C>T on the plus strand (G>A on the coding strand, the complement: FANCC is on the minus strand). VCF-style: chr9-95135386-C-T. GRCh37 (hg19) VCF-style: chr9-97897668-C-T.
Other names: c.803G>A, p.Cys268Tyr (NM_001243743.2, NM_001243744.2); c.803G>A (NM_000136.2); short protein forms C268Y.
Identifiers: ClinVar variation 1478209 (VCV001478209.7), dbSNP rs2135165898, ClinGen allele CA374109251.